The following is an entry in ClinVar:

NM_001365951.3(KIF1B):c.4216A>C (p.Met1406Leu)

Gene: KIF1B (kinesin family member 1B; plus strand). Cytogenetic location: 1p36.22.
Variant type: single nucleotide variant.
Coding change: c.4216A>C on transcript NM_001365951.3 (MANE Select); coding-DNA position 4216, A replaced by C.
Protein change: p.Met1406Leu; replaces methionine 1406 with leucine.
Molecular consequence: missense variant.
Genome position (GRCh38, 1-based): chr1:10,361,737, A>C. VCF-style: chr1-10361737-A-C. GRCh37 (hg19) VCF-style: chr1-10421795-A-C.
Other names: c.4216A>C, p.Met1406Leu (NM_001365952.1); c.4078A>C, p.Met1360Leu (NM_015074.3); short protein forms M1360L, M1406L.
Identifiers: ClinVar variation 1996854 (VCV001996854.4), dbSNP rs2521885786, ClinGen allele CA338317329.

ClinVar aggregate classification (germline): Uncertain significance (1 of 4 stars; one submission).

Conditions:
Charcot-Marie-Tooth disease type 2. Also called: Charcot-Marie-Tooth type 2. Identifiers: Orphanet 64746, MedGen C0270914, MONDO:0018993.

Submission:

Labcorp Genetics (formerly Invitae), Labcorp
Classification: Uncertain significance for Charcot-Marie-Tooth disease type 2. Last evaluated: 2022-05-20. Review status: criteria provided, single submitter. Criteria: Invitae Variant Classification Sherloc (09022015). Collection method: clinical testing. Allele origin: germline.
Comment: In summary, the available evidence is currently insufficient to determine the role of this variant in disease. Therefore, it has been classified as a Variant of Uncertain Significance. Algorithms developed to predict the effect of missense changes on protein structure and function are either unavailable or do not agree on the potential impact of this missense change (SIFT: "Tolerated"; PolyPhen-2: "Possibly Damaging"; Align-GVGD: "Class C0"). This variant has not been reported in the literature in individuals affected with KIF1B-related conditions. This variant is not present in population databases (gnomAD no frequency). This sequence change replaces methionine, which is neutral and non-polar, with leucine, which is neutral and non-polar, at codon 1360 of the KIF1B protein (p.Met1360Leu).